The following is an entry in ClinVar:

NC_000010.10:g.(70196999_70202673)_(70231731_?)dup

Gene: DNA2 (DNA replication helicase/nuclease 2; minus strand). Cytogenetic location: 10q21.3.
Variant type: Duplication.
Identifiers: ClinVar variation 2581509 (VCV002581509.1).

ClinVar aggregate classification (germline): Uncertain significance (1 of 4 stars; one submission).

Submission:

Women's Health and Genetics/Laboratory Corporation of America, LabCorp
Classification: Uncertain significance. Last evaluated: 2023-08-01. Review status: criteria provided, single submitter. Criteria: LabCorp Variant Classification Summary - May 2015. Collection method: clinical testing. Allele origin: germline.
Comment: Variant summary: The variant identified by MLPA or other technology involves the duplication of exons 1-9 in the DNA2 gene. The exact breakpoint at the 5' end of this variant is unknown and therefore this duplication might extend upstream of the assayed region of the DNA2 gene. A presumed nomenclature of c.(?_-110)_(1415+1_1416-1)dup has been designated for the purposes of this classification. It has been assumed that this is a tandem duplication in direct orientation (Richardson_GIM_2018, Newman_AJHG_2015). Since the exact breakpoints of this duplication are not known, it is not possible to predict if it causes an in-frame or an out-of-frame product. The variant was absent in 21694 control chromosomes, although a variant involving the duplication of exons 1-9 together with a large DNA segment (~40 kb), including multiple exons of the SLC25A16 gene, was found at a frequency of 0.00009219 in 21694 control chromosomes (gnomAD, structural variants dataset). To our knowledge, no occurrence of c.(?_-110)_(1415+1_1416-1)dup in individuals affected with Progressive External Ophthalmoplegia With Mitochondrial DNA Deletions or other DNA2-related disorders and no experimental evidence demonstrating its impact on protein function have been reported. One submitter has cited clinical-significance assessments for this variant to ClinVar after 2014 and has classified the variant as uncertain significance. While it may be assumed that duplication variants including a large DNA segment upstream of the gene (i.e. containing essential promoter- and regulatory elements) might result in regular transcription initiation leading to in an intact protein product, shorter tandem duplication variants could result in a frameshift or in-frame duplication change and it is not possible to distinguish between these two outcomes in the context of this evaluation. Based on the evidence outlined above, the variant was classified as uncertain significance.